The following is an entry in ClinVar:

NM_000257.4(MYH7):c.3665G>A (p.Ser1222Asn)

Gene: MYH7 (myosin heavy chain 7; minus strand). Cytogenetic location: 14q11.2.
Variant type: single nucleotide variant.
Coding change: c.3665G>A on transcript NM_000257.4 (MANE Select); coding-DNA position 3665, G replaced by A.
Protein change: p.Ser1222Asn; replaces serine 1222 with asparagine.
Molecular consequence: missense variant.
Genome position (GRCh38, 1-based): chr14:23,419,906, C>T on the plus strand (G>A on the coding strand, the complement: MYH7 is on the minus strand). VCF-style: chr14-23419906-C-T. GRCh37 (hg19) VCF-style: chr14-23889115-C-T.
Other names: c.3665G>A, p.Ser1222Asn (NM_001407004.1); short protein forms S1222N.
Identifiers: ClinVar variation 3894168 (VCV003894168.2).

ClinVar aggregate classification (germline): Uncertain significance. Review status: criteria provided, multiple submitters, no conflicts (2 of 4 stars). 2 submissions from 2 submitters: Uncertain significance (2). Last evaluated 2026-02-19.

Conditions:
Cardiomyopathy (CMYO). Also called: Cardiomyopathies. Identifiers: Orphanet 167848, MedGen C0878544, MONDO:0004994, HP:0001638. Inheritance: Various modes of inheritance.
Cardiovascular phenotype. Identifiers: MedGen CN230736.

gnomAD v4.1: 1 of 1,613,224 alleles (0.000062%); highest among the groups gnomAD compares: African/African-American, 0.0013%; no homozygotes.

Submissions (2):

Ambry Genetics
Classification: Uncertain significance for Cardiovascular phenotype. Last evaluated: 2026-02-19. Review status: criteria provided, single submitter. Criteria: Ambry Variant Classification Scheme 2023. Collection method: clinical testing. Allele origin: germline.
Comment: The p.S1222N variant (also known as c.3665G>A), located in coding exon 25 of the MYH7 gene, results from a G to A substitution at nucleotide position 3665. The serine at codon 1222 is replaced by asparagine, an amino acid with highly similar properties. This variant was reported in individual(s) with features consistent with dilated cardiomyopathy (DCM) (Hirono K et al. Sci Rep, 2024 Dec;14:30469). This amino acid position is highly conserved in available vertebrate species. In addition, this alteration is predicted to be tolerated by in silico analysis. Based on the available evidence, the clinical significance of this variant remains unclear.

Color Diagnostics, LLC DBA Color Health
Classification: Uncertain significance for Cardiomyopathy. Last evaluated: 2024-03-06. Review status: criteria provided, single submitter. Criteria: ACMG Guidelines, 2015. Collection method: clinical testing. Allele origin: germline.
Comment: This missense variant replaces serine with asparagine at codon 1222 of the MYH7 protein. Computational prediction suggests that this variant may not impact protein structure and function (internally defined REVEL score threshold <= 0.5, PMID: 27666373). Splice site prediction tools suggest that this variant may not impact RNA splicing. To our knowledge, functional studies have not been performed for this variant. This variant has not been reported in individuals affected with cardiovascular disorders in the literature. This variant has not been identified in the general population by the Genome Aggregation Database (gnomAD). The available evidence is insufficient to determine the role of this variant in disease conclusively. Therefore, this variant is classified as a Variant of Uncertain Significance.

Literature cited by the submitters: PubMed 39681577 (cited by Ambry Genetics).